The following is an entry in ClinVar:

NM_012330.4(KAT6B):c.3594del (p.Lys1199fs)

Gene: KAT6B (lysine acetyltransferase 6B; plus strand). Cytogenetic location: 10q22.2.
Variant type: Deletion.
Coding change: c.3594del on transcript NM_012330.4 (MANE Select); coding-DNA position 3594, one base deleted (G; older notation c.3594delG).
Protein change: p.Lys1199fs; shifts the reading frame from lysine 1199.
Molecular consequence: frameshift variant.
Genome position (GRCh38, 1-based): chr10:75,025,179, G deleted; the last of 3 consecutive G bases (chr10:75,025,177-75,025,179); deleting any one gives the same sequence. VCF-style (leftmost placement, unchanged base first): chr10-75025176-TG-T. GRCh37 (hg19) VCF-style: chr10-76784934-TG-T.
Other names: c.3045del, p.Lys1016fs (NM_001256468.2, NM_001370138.1); c.2718del, p.Lys907fs (NM_001256469.2, NM_001370139.1, NM_001370140.1 and 2 more transcripts); c.2556del, p.Lys853fs (NM_001370132.1); c.1905del, p.Lys636fs (NM_001370133.1); c.1509del, p.Lys504fs (NM_001370134.1); c.1251del, p.Lys418fs (NM_001370135.1); c.3594del, p.Lys1199fs (NM_001370136.1, NM_001370137.1); c.2529del, p.Lys844fs (NM_001370143.1, NM_001370144.1); short protein forms K1016fs, K1199fs, K418fs, K504fs, K636fs, K844fs, K853fs, K907fs.
Identifiers: ClinVar variation 2572537 (VCV002572537.1), dbSNP rs2549184173, ClinGen allele CA2580615514.

ClinVar aggregate classification (germline): Likely pathogenic (1 of 4 stars; one submission).

Conditions:
Genitopatellar syndrome (GTPTS). Also called: ABSENT PATELLAE, SCROTAL HYPOPLASIA, RENAL ANOMALIES, FACIAL DYSMORPHISM, AND MENTAL RETARDATION; Genitopatellar syndrome (GPS). Identifiers: Orphanet 85201, MedGen C1853566, MONDO:0011640, OMIM 606170.

Submission:

3billion
Classification: Likely pathogenic for Genitopatellar syndrome. Review status: criteria provided, single submitter. Criteria: ACMG Guidelines, 2015. Collection method: clinical testing. Allele origin: unknown. Affected: yes. Observed: 1 heterozygote.
Comment: The variant is not observed in the gnomAD v2.1.1 dataset. The variant is predicted to result in a loss or disruption of normal protein function through nonsense-mediated decay (NMD) or protein truncation. Multiple pathogenic variants are reported downstream of the variant. Therefore, this variant is classified as Likely pathogenic according to the recommendation of ACMG/AMP guideline.